The following is an entry in ClinVar:

ClinVar aggregate classification (germline): Uncertain significance. Review status: criteria provided, multiple submitters, no conflicts (2 of 4 stars). 4 submissions from 4 submitters: Uncertain significance (4). Last evaluated 2023-05-11.

Conditions:
Coffin-Lowry syndrome (CLS). Also called: COFFIN-LOWRY SYNDROME, MILD; Mental retardation with osteocartilaginous abnormalities. Identifiers: Orphanet 192, MedGen C0265252, MONDO:0010561, OMIM 303600.
Intellectual developmental disorder, X-linked 19. Also called: Intellectual disability, X-linked 19. Identifiers: Orphanet 777, MedGen C0796225, MONDO:0010447, OMIM 300844.

Allele frequency attached by ClinVar (database versions not stated): gnomAD 0.00001; ExAC below 0.00001; gnomAD exomes below 0.00001; TOPMed below 0.00001.
gnomAD v4.1: 5 of 1,204,755 alleles (0.00042%); highest among the groups gnomAD compares: Non-Finnish European, 0.00056%; no homozygotes.

Submissions (4):

Blueprint Genetics
Classification: Uncertain significance. Last evaluated: 2023-05-11. Review status: criteria provided, single submitter. Criteria: ACMG Guidelines, 2015. Collection method: clinical testing. Allele origin: germline.

GeneDx
Classification: Uncertain significance. Last evaluated: 2021-12-07. Review status: criteria provided, single submitter. Criteria: GeneDx Variant Classification Process June 2021. Collection method: clinical testing. Allele origin: germline. Affected: yes.
Comment: In silico analysis supports that this missense variant does not alter protein structure/function; Has not been previously published as pathogenic or benign to our knowledge

Fulgent Genetics
Classification: Uncertain significance for Intellectual developmental disorder, X-linked 19; Coffin-Lowry syndrome. Last evaluated: 2021-11-30. Review status: criteria provided, single submitter. Criteria: ACMG Guidelines, 2015. Collection method: clinical testing. Allele origin: unknown.

Eurofins Ntd Llc (ga)
Classification: Uncertain significance. Last evaluated: 2018-06-21. Review status: criteria provided, single submitter. Criteria: EGL ClinVar v180209 classification definitions. Collection method: clinical testing. Allele origin: germline. Observed: 2 variant alleles, 1 heterozygote, 1 hemizygote.

NM_004586.3(RPS6KA3):c.1237A>G (p.Arg413Gly)

Gene: RPS6KA3 (ribosomal protein S6 kinase A3; minus strand). Cytogenetic location: Xp22.12.
Variant type: single nucleotide variant.
Coding change: c.1237A>G on transcript NM_004586.3 (MANE Select); coding-DNA position 1237, A replaced by G.
Protein change: p.Arg413Gly; replaces arginine 413 with glycine.
Molecular consequence: missense variant.
Genome position (GRCh38, 1-based): chrX:20,172,862, T>C on the plus strand (A>G on the coding strand, the complement: RPS6KA3 is on the minus strand). VCF-style: chrX-20172862-T-C. GRCh37 (hg19) VCF-style: chrX-20190980-T-C.
Other names: short protein forms R413G.
Identifiers: ClinVar variation 502300 (VCV000502300.10), dbSNP rs765914103, ClinGen allele CA10366139.